The following is an entry in ClinVar:

ClinVar aggregate classification (germline): Pathogenic. Review status: criteria provided, multiple submitters, no conflicts (2 of 4 stars). 4 submissions from 4 submitters: Pathogenic (4). Last evaluated 2025-10-26.

Conditions:
Inborn genetic diseases. Identifiers: MedGen C0950123, MeSH D030342.
Succinate-semialdehyde dehydrogenase deficiency (SSADHD). Also called: GABA METABOLIC DEFECT; SSADH DEFICIENCY; 4-HYDROXYBUTYRIC ACIDURIA; Succinic Semialdehyde Dehydrogenase Deficiency. Identifiers: Orphanet 22, MedGen C0268631, MONDO:0010083, OMIM 271980.

Allele frequency attached by ClinVar (database versions not stated): gnomAD exomes below 0.00001 and 0.00001; gnomAD 0.00001; TOPMed 0.00001.
gnomAD v4.1: 21 of 1,613,462 alleles (0.0013%); highest among the groups gnomAD compares: Non-Finnish European, 0.0018%; no homozygotes.

Submissions (4):

Labcorp Genetics (formerly Invitae), Labcorp
Classification: Pathogenic for Succinate-semialdehyde dehydrogenase deficiency. Last evaluated: 2025-10-26. Review status: criteria provided, single submitter. Criteria: Invitae Variant Classification Sherloc (09022015). Collection method: clinical testing. Allele origin: germline.
Comment: This sequence change affects an acceptor splice site in intron 3 of the ALDH5A1 gene. It is expected to disrupt RNA splicing. Variants that disrupt the donor or acceptor splice site typically lead to a loss of protein function (PMID: 16199547), and loss-of-function variants in ALDH5A1 are known to be pathogenic (PMID: 14635103). This variant is present in population databases (no rsID available, gnomAD 0.0009%). Disruption of this splice site has been observed in individual(s) with succinate semialdehyde dehydrogenase deficiency (PMID: 14635103). This variant is also known as IVS3-2G>A. ClinVar contains an entry for this variant (Variation ID: 459990). Algorithms developed to predict the effect of sequence changes on RNA splicing suggest that this variant may disrupt the consensus splice site. For these reasons, this variant has been classified as Pathogenic.

GeneDx
Classification: Pathogenic. Last evaluated: 2023-06-01. Review status: criteria provided, single submitter. Criteria: GeneDx Variant Classification Process June 2021. Collection method: clinical testing. Allele origin: germline. Affected: yes.
Comment: Reported previously in multiple unrelated patients with SSADH deficiency who also harbored a second ALDH5A1 variant; however phase was undetermined (Akaboshi et al., 2003; Niemi et al., 2014).; Published functional studies demonstrate the variant results in a frameshift with detrimental effect on the protein (Akaboshi et al., 2003).; Not observed at significant frequency in large population cohorts (gnomAD); Canonical splice site variant predicted to result in an in-frame loss of the adjacent exon in a gene for which loss of function is a known mechanism of disease; This variant is associated with the following publications: (PMID: 25558043, 31, 25525159, 14635103, 27896081, 32395407, 31589614, 32887777, 31440721)

Elsea Laboratory, Baylor College of Medicine
Classification: Pathogenic for Succinate-semialdehyde dehydrogenase deficiency. Last evaluated: 2021-03-08. Review status: criteria provided, single submitter. Criteria: Martin et al. (J Child Neurol. 2021). Collection method: curation. Allele origin: germline. Affected: yes.

Ambry Genetics
Classification: Pathogenic for Inborn genetic diseases. Last evaluated: 2017-12-21. Review status: criteria provided, single submitter. Criteria: Ambry exome assertion method (8-5-2015). Collection method: clinical testing. Allele origin: germline. Affected: yes. Observed: 1 variant allele.

Literature cited by the submitters: PubMed 16199547 (cited by Labcorp Genetics (formerly Invitae), Labcorp); PubMed 14635103 (cited by 3 submitters); PubMed 27896081 (cited by Elsea Laboratory, Baylor College of Medicine and Ambry Genetics).

NM_001080.3(ALDH5A1):c.610-2A>G

Gene: ALDH5A1 (aldehyde dehydrogenase 5 family member A1; plus strand). Cytogenetic location: 6p22.3.
Variant type: single nucleotide variant.
Coding change: c.610-2A>G on transcript NM_001080.3 (MANE Select); the canonical splice acceptor site of the intron before coding-DNA position 610, A replaced by G.
Molecular consequence: splice acceptor variant.
Genome position (GRCh38, 1-based): chr6:24,504,867, A>G. VCF-style: chr6-24504867-A-G. GRCh37 (hg19) VCF-style: chr6-24505095-A-G.
Other names: c.610-2A>G (NM_001368954.1, NM_170740.1).
Identifiers: ClinVar variation 459990 (VCV000459990.20), dbSNP rs1301821497, ClinGen allele CA362969963.